The following is an entry in ClinVar:

ClinVar aggregate classification (germline): Uncertain significance (1 of 4 stars; one submission).

gnomAD v4.1: 2 of 1,614,184 alleles (0.00012%); highest among the groups gnomAD compares: Middle Eastern, 0.016%; no homozygotes.

Submission:

GeneDx
Classification: Uncertain significance. Last evaluated: 2026-10-25. Review status: criteria provided, single submitter. Criteria: GeneDx Variant Classification Process June 2021. Collection method: clinical testing. Allele origin: germline.
Comment: Not observed at significant frequency in large population cohorts (gnomAD); In silico analysis supports that this missense variant has a deleterious effect on protein structure/function; Has not been previously published as pathogenic or benign to our knowledge

NM_001943.5(DSG2):c.2462T>C (p.Leu821Pro)

Genes: DSG2 (desmoglein 2; plus strand), DSG2-AS1 (DSG2 antisense RNA 1; minus strand). Cytogenetic location: 18q12.1.
Variant type: single nucleotide variant.
Coding change: c.2462T>C on transcript NM_001943.5 (MANE Select); coding-DNA position 2462, T replaced by C.
Protein change: p.Leu821Pro; replaces leucine 821 with proline.
Molecular consequence: missense variant. On other transcripts: non-coding transcript variant (1).
Genome position (GRCh38, 1-based): chr18:31,545,848, T>C. VCF-style: chr18-31545848-T-C. GRCh37 (hg19) VCF-style: chr18-29125811-T-C.
Other names: short protein forms L821P.
Identifiers: ClinVar variation 3906778 (VCV003906778.2).